The following is an entry in ClinVar:

ClinVar aggregate classification (germline): Likely benign (1 of 4 stars; one submission).

Submission:

CeGaT Center for Human Genetics Tuebingen
Classification: Likely benign. Last evaluated: 2025-07-01. Review status: criteria provided, single submitter. Criteria: CeGaT Center For Human Genetics Tuebingen Variant Classification Criteria Version 2. Collection method: clinical testing. Allele origin: germline. Affected: yes. Observed: 1 variant allele.
Comment: SPINK5: PM2:Supporting, BP4, BP7

NM_006846.4(SPINK5):c.2616C>T (p.Gly872=)

Gene: SPINK5 (serine peptidase inhibitor Kazal type 5; plus strand). Cytogenetic location: 5q32.
Variant type: single nucleotide variant.
Coding change: c.2616C>T on transcript NM_006846.4 (MANE Select); coding-DNA position 2616, C replaced by T.
Protein change: p.Gly872=; no amino-acid change (glycine 872 retained).
Molecular consequence: synonymous variant.
Genome position (GRCh38, 1-based): chr5:148,123,910, C>T. VCF-style: chr5-148123910-C-T. GRCh37 (hg19) VCF-style: chr5-147503473-C-T.
Other names: c.2616C>T, p.Gly872= (NM_001127698.2, NM_001127699.2).
Identifiers: ClinVar variation 4085299 (VCV004085299.8).